The following is an entry in ClinVar:

NM_004560.4(ROR2):c.388A>T (p.Thr130Ser)

Gene: ROR2 (receptor tyrosine kinase like orphan receptor 2; minus strand). Cytogenetic location: 9q22.31.
Variant type: single nucleotide variant.
Coding change: c.388A>T on transcript NM_004560.4 (MANE Select); coding-DNA position 388, A replaced by T.
Protein change: p.Thr130Ser; replaces threonine 130 with serine.
Molecular consequence: missense variant.
Genome position (GRCh38, 1-based): chr9:91,757,347, T>A on the plus strand (A>T on the coding strand, the complement: ROR2 is on the minus strand). VCF-style: chr9-91757347-T-A. GRCh37 (hg19) VCF-style: chr9-94519629-T-A.
Other names: c.388A>T, p.Thr130Ser (NM_001318204.2); short protein forms T130S.
Identifiers: ClinVar variation 2708208 (VCV002708208.3), dbSNP rs2490291506, ClinGen allele CA373840585.
Genomic context (GRCh38, chr9:91,757,347, plus strand): 5'-GGACGCCAGTGGCGGTAATGGTCTTCATCCCGTTGGTGGCCACGCACTGGTAGTAGCCAG[T>A]GTCTGTCGTGTCCAGGTCCTGGATTCGCAGTCGTGAACCATATTCTGTCTTCCGGATGAT-3'
Protein context (NP_004551.2, residues 120-140): LRIQDLDTTD[Thr130Ser]GYYQCVATNG

ClinVar aggregate classification (germline): Uncertain significance (1 of 4 stars; one submission).

Submission:

Labcorp Genetics (formerly Invitae), Labcorp
Classification: Uncertain significance. Last evaluated: 2024-01-08. Review status: criteria provided, single submitter. Criteria: Invitae Variant Classification Sherloc (09022015). Collection method: clinical testing. Allele origin: germline.
Comment: This sequence change replaces threonine, which is neutral and polar, with serine, which is neutral and polar, at codon 130 of the ROR2 protein (p.Thr130Ser). This variant is not present in population databases (gnomAD no frequency). This variant has not been reported in the literature in individuals affected with ROR2-related conditions. Advanced modeling of protein sequence and biophysical properties (such as structural, functional, and spatial information, amino acid conservation, physicochemical variation, residue mobility, and thermodynamic stability) performed at Invitae indicates that this missense variant is not expected to disrupt ROR2 protein function with a negative predictive value of 95%. In summary, the available evidence is currently insufficient to determine the role of this variant in disease. Therefore, it has been classified as a Variant of Uncertain Significance.